The following is an entry in ClinVar:

ClinVar aggregate classification (germline): Uncertain significance (1 of 4 stars; one submission).

Allele frequency attached by ClinVar (database versions not stated): gnomAD 0.00001; TOPMed 0.00001; ExAC 0.00002; 1000 Genomes Project 30x 0.00031.
gnomAD v4.1: 13 of 1,613,568 alleles (0.00081%); highest among the groups gnomAD compares: African/African-American, 0.0027%; no homozygotes.

Submission:

Labcorp Genetics (formerly Invitae), Labcorp
Classification: Uncertain significance. Last evaluated: 2025-11-03. Review status: criteria provided, single submitter. Criteria: Invitae Variant Classification Sherloc (09022015). Collection method: clinical testing. Allele origin: germline.
Comment: This sequence change replaces arginine, which is basic and polar, with tryptophan, which is neutral and slightly polar, at codon 221 of the LHX4 protein (p.Arg221Trp). This variant is present in population databases (rs756081757, gnomAD 0.006%). This variant has not been reported in the literature in individuals affected with LHX4-related conditions. ClinVar contains an entry for this variant (Variation ID: 1948652). Invitae Evidence Modeling of protein sequence and biophysical properties (such as structural, functional, and spatial information, amino acid conservation, physicochemical variation, residue mobility, and thermodynamic stability) has been performed for this missense variant. However, the output from this modeling did not meet the statistical confidence thresholds required to predict the impact of this variant on LHX4 protein function. In summary, the available evidence is currently insufficient to determine the role of this variant in disease. Therefore, it has been classified as a Variant of Uncertain Significance.

NM_033343.4(LHX4):c.661C>T (p.Arg221Trp)

Genes: ACBD6 (acyl-CoA binding domain containing 6; minus strand), LHX4 (LIM homeobox 4; plus strand), LHX4-AS1 (LHX4 antisense RNA 1; minus strand). Cytogenetic location: 1q25.2.
Variant type: single nucleotide variant.
Coding change: c.661C>T on transcript NM_033343.4 (MANE Select); coding-DNA position 661, C replaced by T.
Protein change: p.Arg221Trp; replaces arginine 221 with tryptophan.
Molecular consequence: missense variant. On other transcripts: non-coding transcript variant (1).
Genome position (GRCh38, 1-based): chr1:180,271,889, C>T. VCF-style: chr1-180271889-C-T. GRCh37 (hg19) VCF-style: chr1-180241024-C-T.
Other names: short protein forms R221W.
Identifiers: ClinVar variation 1948652 (VCV001948652.5), dbSNP rs756081757, ClinGen allele CA1271967.
Genomic context (GRCh38, chr1:180,271,889, plus strand): 5'-TGGCAGGTTTGGTTTCAGAACAGAAGGGCCAAAGAGAAACGCCTGAAGAAGGATGCAGGG[C>T]GGCACCGCTGGGGGCAGTTCTATAAGAGCGTCAAGAGGAGCCGGGGCAGCAGCAAGCAGG-3'
Protein context (NP_203129.1, residues 211-231): KEKRLKKDAG[Arg221Trp]HRWGQFYKSV